The following is an entry in ClinVar:

ClinVar aggregate classification (germline): Uncertain significance (1 of 4 stars; one submission).

Submission:

Labcorp Genetics (formerly Invitae), Labcorp
Classification: Uncertain significance. Last evaluated: 2025-09-16. Review status: criteria provided, single submitter. Criteria: Invitae Variant Classification Sherloc (09022015). Collection method: clinical testing. Allele origin: germline.
Comment: This sequence change replaces leucine, which is neutral and non-polar, with proline, which is neutral and non-polar, at codon 686 of the NIN protein (p.Leu686Pro). This variant is not present in population databases (gnomAD no frequency). This variant has not been reported in the literature in individuals affected with NIN-related conditions. An algorithm developed to predict the effect of missense changes on protein structure and function (PolyPhen-2) suggests that this variant is likely to be disruptive. In summary, the available evidence is currently insufficient to determine the role of this variant in disease. Therefore, it has been classified as a Variant of Uncertain Significance.

NM_020921.4(NIN):c.2057T>C (p.Leu686Pro)

Genes: NIN (ninein; minus strand), LOC130055602 (ATAC-STARR-seq lymphoblastoid active region 8362; plus strand). Cytogenetic location: 14q22.1.
Variant type: single nucleotide variant.
Coding change: c.2057T>C on transcript NM_020921.4 (MANE Select); coding-DNA position 2057, T replaced by C.
Protein change: p.Leu686Pro; replaces leucine 686 with proline.
Molecular consequence: missense variant.
Genome position (GRCh38, 1-based): chr14:50,760,199, A>G on the plus strand (T>C on the coding strand, the complement: NIN is on the minus strand). VCF-style: chr14-50760199-A-G. GRCh37 (hg19) VCF-style: chr14-51226917-A-G.
Other names: c.2057T>C, p.Leu686Pro (NM_016350.5, NM_182944.3, NM_182946.2); short protein forms L686P.
Identifiers: ClinVar variation 4770870 (VCV004770870.1).